The following is an entry in ClinVar:

NM_000038.6(APC):c.3920_3923del (p.Ile1307fs)

Gene: APC (APC regulator of Wnt signaling pathway; plus strand). Cytogenetic location: 5q22.2.
Variant type: Deletion.
Coding change: c.3920_3923del on transcript NM_000038.6 (MANE Select); coding-DNA positions 3920 to 3923, 4 bases deleted (TAAA; older notation c.3920_3923delTAAA).
Protein change: p.Ile1307fs; shifts the reading frame from isoleucine 1307.
Molecular consequence: frameshift variant. On other transcripts: non-coding transcript variant (2).
Genome position (GRCh38, 1-based): chr5:112,839,514-112,839,517, TAAA deleted; deleting any 4 consecutive bases within chr5:112,839,511-112,839,517 gives the same sequence; the c. name uses the placement nearest the transcript's 3' end. VCF-style (leftmost placement, unchanged base first): chr5-112839510-GAAAT-G. GRCh37 (hg19) VCF-style: chr5-112175207-GAAAT-G.
Other names: c.3671_3674del, p.Ile1224fs (NM_001407456.1, NM_001407457.1, NM_001407454.1 and 1 more transcripts); c.3617_3620del, p.Ile1206fs (NM_001407458.1, NM_001407459.1, NM_001407460.1 and 1 more transcripts); c.3533_3536del, p.Ile1178fs (NM_001407469.1, NM_001407467.1); c.3071_3074del, p.Ile1024fs (NM_001407470.1, NM_001354906.2); c.3920_3923del, p.Ile1307fs (NM_001127510.3, NM_001354895.2, NM_001407450.1); c.3866_3869del, p.Ile1289fs (NM_001127511.3); c.3974_3977del, p.Ile1325fs (NM_001354896.2, NM_001407447.1, NM_001407448.1 and 1 more transcripts); c.3950_3953del, p.Ile1317fs (NM_001354897.2); and 11 more; short protein forms I1024fs, I1147fs, I1178fs, I1181fs, I1206fs, I1216fs, I1224fs, I1248fs.
Identifiers: ClinVar variation 2583993 (VCV002583993.2), dbSNP rs1463038513, ClinGen allele CA658760609.

ClinVar aggregate classification (germline): Pathogenic (1 of 4 stars; one submission).

Conditions:
Familial adenomatous polyposis 1 (FAP1). Also called: FAMILIAL ADENOMATOUS POLYPOSIS 1, ATTENUATED; POLYPOSIS, ADENOMATOUS INTESTINAL. Identifiers: MedGen C2713442, MONDO:0021056, OMIM 175100. Disease mechanism: loss of function.

Submission:

Myriad Genetics, Inc.
Classification: Pathogenic for Familial adenomatous polyposis 1. Last evaluated: 2023-05-09. Review status: criteria provided, single submitter. Criteria: Myriad Autosomal Dominant, Autosomal Recessive and X-Linked Classification Criteria (2023). Collection method: clinical testing. Allele origin: unknown.
Comment: This variant is considered pathogenic. This variant creates a frameshift predicted to result in premature protein truncation.